The following is an entry in ClinVar:

NM_000369.5(TSHR):c.1789G>A (p.Val597Ile)

Genes: TSHR (thyroid stimulating hormone receptor; plus strand), TSHR-AS1 (TSHR antisense RNA 1; minus strand). Cytogenetic location: 14q31.1.
Variant type: single nucleotide variant.
Coding change: c.1789G>A on transcript NM_000369.5 (MANE Select); coding-DNA position 1789, G replaced by A.
Protein change: p.Val597Ile; replaces valine 597 with isoleucine.
Molecular consequence: missense variant.
Genome position (GRCh38, 1-based): chr14:81,143,847, G>A. VCF-style: chr14-81143847-G-A. GRCh37 (hg19) VCF-style: chr14-81610191-G-A.
Other names: short protein forms V597I.
Identifiers: ClinVar variation 2574466 (VCV002574466.2), dbSNP rs762013134, ClinGen allele CA7294526.
Genomic context (GRCh38, chr14:81,143,847, plus strand): 5'-CCTCTTGCTCTGGCATATATTGTTTTTGTTCTGACGCTCAACATAGTTGCCTTCGTCATC[G>A]TCTGCTGCTGTTATGTGAAGATCTACATCACAGTCCGAAATCCGCAGTACAACCCAGGGG-3'
Protein context (NP_000360.2, residues 587-607): LTLNIVAFVI[Val597Ile]CCCYVKIYIT

ClinVar aggregate classification (germline): Conflicting classifications of pathogenicity. Review status: criteria provided, conflicting classifications (1 of 4 stars). 2 submissions from 2 submitters: Likely pathogenic (1); Uncertain significance (1). Last evaluated 2024-12-03.

Allele frequency attached by ClinVar (database versions not stated): TOPMed below 0.00001; gnomAD 0.00001; ExAC 0.00002; gnomAD exomes 0.00002.
gnomAD v4.1: 26 of 1,613,486 alleles (0.0016%); highest among the groups gnomAD compares: East Asian, 0.0067%; no homozygotes.

Submissions (2):

Women's Health and Genetics/Laboratory Corporation of America, LabCorp
Classification: Uncertain significance. Last evaluated: 2024-12-03. Review status: criteria provided, single submitter. Criteria: LabCorp Variant Classification Summary - May 2015. Collection method: clinical testing. Allele origin: germline.
Comment: Variant summary: TSHR c.1789G>A (p.Val597Ile) results in a conservative amino acid change in the encoded protein sequence. Four of five in-silico tools predict a benign effect of the variant on protein function. The variant allele was found at a frequency of 8e-06 in 251416 control chromosomes (gnomAD). c.1789G>A has been reported in the literature in individuals affected with Familial Gestational Hyperthyroidism (Caron_2020). These data indicate that the variant may be associated with disease. This publication also reports experimental evidence evaluating an impact on protein function, finding that the variant results in reduced cell surface expression, increased constitutive activity with regard to the basal level of cAMP and IP3 production, and reduced response to TSH. The following publication has been ascertained in the context of this evaluation (PMID: 32437589). ClinVar contains an entry for this variant (Variation ID: 2574466). Based on the evidence outlined above, the variant was classified as VUS-possibly pathogenic.

GeneDx
Classification: Likely pathogenic. Last evaluated: 2022-12-30. Review status: criteria provided, single submitter. Criteria: GeneDx Variant Classification Process June 2021. Collection method: clinical testing. Allele origin: germline. Affected: yes.
Comment: Published functional studies demonstrate a damaging effect with increased constitutive activity (Caron et al., 2020); In silico analysis supports that this missense variant does not alter protein structure/function; This variant is associated with the following publications: (PMID: 32437589, 11517004)

Literature cited by the submitters: PubMed 32437589 (cited by Women's Health and Genetics/Laboratory Corporation of America, LabCorp).